The following is an entry in ClinVar:

NM_052859.4(RFT1):c.1226T>C (p.Leu409Pro)

Gene: RFT1 (RFT1 glycolipid translocator homolog; minus strand). Cytogenetic location: 3p21.1.
Variant type: single nucleotide variant.
Coding change: c.1226T>C on transcript NM_052859.4 (MANE Select); coding-DNA position 1226, T replaced by C.
Protein change: p.Leu409Pro; replaces leucine 409 with proline.
Molecular consequence: missense variant.
Genome position (GRCh38, 1-based): chr3:53,092,601, A>G on the plus strand (T>C on the coding strand, the complement: RFT1 is on the minus strand). VCF-style: chr3-53092601-A-G. GRCh37 (hg19) VCF-style: chr3-53126617-A-G.
Other names: short protein forms L409P.
Identifiers: ClinVar variation 2111444 (VCV002111444.4), dbSNP rs2470938294, ClinGen allele CA353227310.

ClinVar aggregate classification (germline): Uncertain significance (1 of 4 stars; one submission).

Conditions:
RFT1-congenital disorder of glycosylation (CDG1N). Also called: Congenital disorder of glycosylation type In; CDG In; RFT1-CDG. Identifiers: Orphanet 244310, MedGen C2677590, MONDO:0012783, OMIM 612015.

Submission:

Labcorp Genetics (formerly Invitae), Labcorp
Classification: Uncertain significance for RFT1-congenital disorder of glycosylation. Last evaluated: 2022-03-13. Review status: criteria provided, single submitter. Criteria: Invitae Variant Classification Sherloc (09022015). Collection method: clinical testing. Allele origin: germline.
Comment: In summary, the available evidence is currently insufficient to determine the role of this variant in disease. Therefore, it has been classified as a Variant of Uncertain Significance. Algorithms developed to predict the effect of missense changes on protein structure and function are either unavailable or do not agree on the potential impact of this missense change (SIFT: "Deleterious"; PolyPhen-2: "Probably Damaging"; Align-GVGD: "Class C0"). This variant has not been reported in the literature in individuals affected with RFT1-related conditions. This variant is not present in population databases (gnomAD no frequency). This sequence change replaces leucine, which is neutral and non-polar, with proline, which is neutral and non-polar, at codon 409 of the RFT1 protein (p.Leu409Pro).